The following is an entry in ClinVar:

NM_003079.5(SMARCE1):c.958C>T (p.Pro320Ser)

Gene: SMARCE1 (SWI/SNF related BAF chromatin remodeling complex subunit E1; minus strand). Cytogenetic location: 17q21.2.
Variant type: single nucleotide variant.
Coding change: c.958C>T on transcript NM_003079.5 (MANE Select); coding-DNA position 958, C replaced by T.
Protein change: p.Pro320Ser; replaces proline 320 with serine.
Molecular consequence: missense variant.
Genome position (GRCh38, 1-based): chr17:40,630,783, G>A on the plus strand (C>T on the coding strand, the complement: SMARCE1 is on the minus strand). VCF-style: chr17-40630783-G-A. GRCh37 (hg19) VCF-style: chr17-38787035-G-A.
Other names: short protein forms P320S.
Identifiers: ClinVar variation 463440 (VCV000463440.13), dbSNP rs1176390337, ClinGen allele CA399363442.
Genomic context (GRCh38, chr17:40,630,783, plus strand): 5'-TCGGAATGTTCTCGTCGTCTTTCTTCTCCTCGCCTTTGTTAGCTGCTTGTTCTTCCTCAG[G>A]AACGATGCTGCTCTGACTGCGCTCAGCTTGCTCTGCGGCCTCCTTCTCCCTTTCCTCCTG-3'
Protein context (NP_003070.3, residues 310-330): QAERSQSSIV[Pro320Ser]EEEQAANKGE

ClinVar aggregate classification (germline): Conflicting classifications of pathogenicity. Review status: criteria provided, conflicting classifications (1 of 4 stars). 3 submissions from 3 submitters: Uncertain significance (2); Likely benign (1). Last evaluated 2026-07-10.

Conditions:
Hereditary cancer-predisposing syndrome. Also called: Neoplastic Syndromes, Hereditary; Hereditary neoplastic syndrome; Hereditary Cancer Syndrome; Tumor predisposition. Identifiers: Orphanet 140162, MedGen C0027672, MeSH D009386, MONDO:0015356.
Familial meningioma. Also called: Meningioma, familial, susceptibility to. Identifiers: Orphanet 263662, MedGen C3551915, MONDO:0011789, OMIM 607174.

Allele frequency attached by ClinVar (database versions not stated): gnomAD exomes 0.00001; TOPMed 0.00001.
gnomAD v4.1: 2 of 1,613,948 alleles (0.00012%); highest among the groups gnomAD compares: African/African-American, 0.0013%; no homozygotes.

Submissions (3):

Ambry Genetics
Classification: Likely benign for Hereditary cancer-predisposing syndrome. Last evaluated: 2026-07-10. Review status: criteria provided, single submitter. Criteria: Ambry Variant Classification Scheme 2023. Collection method: clinical testing. Allele origin: germline.

Labcorp Genetics (formerly Invitae), Labcorp
Classification: Uncertain significance for Familial meningioma. Last evaluated: 2024-02-02. Review status: criteria provided, single submitter. Criteria: Invitae Variant Classification Sherloc (09022015). Collection method: clinical testing. Allele origin: germline.
Comment: This sequence change replaces proline, which is neutral and non-polar, with serine, which is neutral and polar, at codon 320 of the SMARCE1 protein (p.Pro320Ser). This variant is present in population databases (no rsID available, gnomAD 0.007%). This variant has not been reported in the literature in individuals affected with SMARCE1-related conditions. ClinVar contains an entry for this variant (Variation ID: 463440). Advanced modeling of protein sequence and biophysical properties (such as structural, functional, and spatial information, amino acid conservation, physicochemical variation, residue mobility, and thermodynamic stability) performed at Invitae indicates that this missense variant is not expected to disrupt SMARCE1 protein function with a negative predictive value of 80%. In summary, the available evidence is currently insufficient to determine the role of this variant in disease. Therefore, it has been classified as a Variant of Uncertain Significance.

Baylor Genetics
Classification: Uncertain significance for Familial meningioma. Last evaluated: 2023-09-05. Review status: criteria provided, single submitter. Criteria: ACMG Guidelines, 2015. Collection method: clinical testing. Allele origin: unknown.